The following is an entry in ClinVar:

ClinVar aggregate classification (germline): Pathogenic (1 of 4 stars; one submission).

Conditions:
Hermansky-Pudlak syndrome 3 (HPS3). Identifiers: Orphanet 231512, Orphanet 79430, MedGen C3888001, MONDO:0013555, OMIM 614072.

Submission:

Myriad Genetics, Inc.
Classification: Pathogenic for Hermansky-Pudlak syndrome 3. Last evaluated: 2024-05-14. Review status: criteria provided, single submitter. Criteria: Myriad Autosomal Dominant, Autosomal Recessive and X-Linked Classification Criteria (2023). Collection method: clinical testing. Allele origin: unknown.
Comment: NM_032383.3(HPS3):c.2548_2549delTT(L850Sfs*2) is expected to be pathogenic in the context of Hermansky-Pudlak syndrome, HPS3-related. This variant is predicted to lead to an abnormal or absent protein product due to the creation of a premature termination codon in HPS3, a gene where loss-of-function variants are known to be pathogenic. Please note: this variant was assessed in the context of healthy population screening.

NM_032383.5(HPS3):c.2548_2549del (p.Leu850fs)

Genes: CP (ceruloplasmin; minus strand), HPS3 (HPS3 biogenesis of lysosomal organelles complex 2 subunit 1; plus strand). Cytogenetic location: 3q24.
Variant type: Deletion.
Coding change: c.2548_2549del on transcript NM_032383.5 (MANE Select); coding-DNA positions 2548 to 2549, 2 bases deleted (TT; older notation c.2548_2549delTT).
Protein change: p.Leu850fs; shifts the reading frame from leucine 850.
Molecular consequence: frameshift variant.
Genome position (GRCh38, 1-based): chr3:149,163,908-149,163,909, TT deleted; deleting any 2 consecutive bases within chr3:149,163,907-149,163,909 gives the same sequence; the c. name uses the placement nearest the transcript's 3' end. VCF-style (leftmost placement, unchanged base first): chr3-149163906-CTT-C. GRCh37 (hg19) VCF-style: chr3-148881693-CTT-C.
Other names: c.2053_2054del, p.Leu685fs (NM_001308258.2); short protein forms L685fs, L850fs.
Identifiers: ClinVar variation 5010384 (VCV005010384.1).